The following is an entry in ClinVar:

NM_033026.6(PCLO):c.6850C>T (p.Pro2284Ser)

Gene: PCLO (piccolo presynaptic cytomatrix protein; minus strand). Cytogenetic location: 7q21.11.
Variant type: single nucleotide variant.
Coding change: c.6850C>T on transcript NM_033026.6 (MANE Select); coding-DNA position 6850, C replaced by T.
Protein change: p.Pro2284Ser; replaces proline 2284 with serine.
Molecular consequence: missense variant.
Genome position (GRCh38, 1-based): chr7:82,954,103, G>A on the plus strand (C>T on the coding strand, the complement: PCLO is on the minus strand). VCF-style: chr7-82954103-G-A. GRCh37 (hg19) VCF-style: chr7-82583419-G-A.
Other names: c.6850C>T, p.Pro2284Ser (NM_014510.3); short protein forms P2284S.
Identifiers: ClinVar variation 1948247 (VCV001948247.4), dbSNP rs867376638, ClinGen allele CA161147078.

ClinVar aggregate classification (germline): Uncertain significance (1 of 4 stars; one submission).

Allele frequency attached by ClinVar (database versions not stated): gnomAD exomes below 0.00001; gnomAD 0.00002; TOPMed 0.00002; 1000 Genomes Project 30x 0.00016.
gnomAD v4.1: 4 of 1,613,770 alleles (0.00025%); highest among the groups gnomAD compares: African/African-American, 0.004%; no homozygotes.

Submission:

Labcorp Genetics (formerly Invitae), Labcorp
Classification: Uncertain significance. Last evaluated: 2024-10-16. Review status: criteria provided, single submitter. Criteria: Invitae Variant Classification Sherloc (09022015). Collection method: clinical testing. Allele origin: germline.
Comment: This sequence change replaces proline, which is neutral and non-polar, with serine, which is neutral and polar, at codon 2284 of the PCLO protein (p.Pro2284Ser). This variant is present in population databases (no rsID available, gnomAD 0.007%). This variant has not been reported in the literature in individuals affected with PCLO-related conditions. ClinVar contains an entry for this variant (Variation ID: 1948247). An algorithm developed to predict the effect of missense changes on protein structure and function outputs the following: PolyPhen-2: "Not Available". The serine amino acid residue is found in multiple mammalian species, which suggests that this missense change does not adversely affect protein function. In summary, the available evidence is currently insufficient to determine the role of this variant in disease. Therefore, it has been classified as a Variant of Uncertain Significance.